The following is an entry in ClinVar:

NM_001377458.1(CLCC1):c.424A>C (p.Asn142His)

Gene: CLCC1 (chloride channel CLIC like 1; minus strand). Cytogenetic location: 1p13.3.
Variant type: single nucleotide variant.
Coding change: c.424A>C on transcript NM_001377458.1 (MANE Select); coding-DNA position 424, A replaced by C.
Protein change: p.Asn142His; replaces asparagine 142 with histidine.
Molecular consequence: missense variant. On other transcripts: non-coding transcript variant (1), intron variant (3).
Genome position (GRCh38, 1-based): chr1:108,943,973, T>G on the plus strand (A>C on the coding strand, the complement: CLCC1 is on the minus strand). VCF-style: chr1-108943973-T-G. GRCh37 (hg19) VCF-style: chr1-109486595-T-G.
Other names: c.424A>C, p.Asn142His (NM_001048210.3, NM_001377459.1, NM_001377460.1 and 8 more transcripts); c.322A>C, p.Asn108His (NM_001377469.1); c.133A>C, p.Asn45His (NM_001377470.1); c.340-66A>C (NM_015127.5); c.340-2475A>C (NM_001278202.2); c.339+3638A>C (NM_001278203.1); c.424A>C (NM_001048210.1); short protein forms N45H, N108H, N142H.
Identifiers: ClinVar variation 1397339 (VCV001397339.5), dbSNP rs373844613, ClinGen allele CA983597.

ClinVar aggregate classification (germline): Uncertain significance. Review status: criteria provided, multiple submitters, no conflicts (2 of 4 stars). 2 submissions from 2 submitters: Uncertain significance (2). Last evaluated 2025-03-08.

Allele frequency attached by ClinVar (database versions not stated): ExAC 0.00002; gnomAD exomes 0.00003 and 0.00007; gnomAD 0.00005 and 0.00006; TOPMed 0.00005; ESP Exome Variant Server 0.00015.
gnomAD v4.1: 114 of 1,613,448 alleles (0.0071%); highest among the groups gnomAD compares: Non-Finnish European, 0.0087%; no homozygotes.

Submissions (2):

Ambry Genetics
Classification: Uncertain significance. Last evaluated: 2025-03-08. Review status: criteria provided, single submitter. Criteria: Ambry Variant Classification Scheme 2023. Collection method: clinical testing. Allele origin: germline.

Labcorp Genetics (formerly Invitae), Labcorp
Classification: Uncertain significance. Last evaluated: 2024-12-02. Review status: criteria provided, single submitter. Criteria: Invitae Variant Classification Sherloc (09022015). Collection method: clinical testing. Allele origin: germline.
Comment: This sequence change replaces asparagine, which is neutral and polar, with histidine, which is basic and polar, at codon 142 of the CLCC1 protein (p.Asn142His). This variant is present in population databases (rs373844613, gnomAD 0.007%). This variant has not been reported in the literature in individuals affected with CLCC1-related conditions. ClinVar contains an entry for this variant (Variation ID: 1397339). An algorithm developed to predict the effect of missense changes on protein structure and function (PolyPhen-2) suggests that this variant is likely to be disruptive. In summary, the available evidence is currently insufficient to determine the role of this variant in disease. Therefore, it has been classified as a Variant of Uncertain Significance.